The following is an entry in ClinVar:

NM_004006.3(DMD):c.10364dup (p.Asn3456fs)

Gene: DMD (dystrophin; minus strand). Cytogenetic location: Xp21.2.
Variant type: Duplication.
Coding change: c.10364dup on transcript NM_004006.3 (MANE Select); coding-DNA position 10364, one base duplicated (T; older notation c.10364dupT).
Protein change: p.Asn3456fs; shifts the reading frame from asparagine 3456.
Molecular consequence: frameshift variant. On other transcripts: intron variant (2).
Genome position (GRCh38, 1-based): chrX:31,172,378, A duplicated on the plus strand (T on the coding strand, the reverse complement: DMD is on the minus strand). VCF-style (leftmost placement, unchanged base first): chrX-31172377-T-TA. GRCh37 (hg19) VCF-style: chrX-31190494-T-TA.
Other names: c.10340dup, p.Asn3448fs (NM_000109.4); c.10352dup, p.Asn3452fs (NM_004009.3); c.9995dup, p.Asn3333fs (NM_004010.3); c.6341dup, p.Asn2115fs (NM_004011.4); c.6332dup, p.Asn2112fs (NM_004012.4); c.2984dup, p.Asn996fs (NM_004013.3, NM_004021.3); c.2177dup, p.Asn727fs (NM_004014.3); c.1160dup, p.Asn388fs (NM_004015.3, NM_004016.3); and 3 more; short protein forms N2112fs, N2115fs, N3333fs, N3448fs, N3452fs, N3456fs, N375fs, N388fs.
Identifiers: ClinVar variation 977648 (VCV000977648.2), dbSNP rs2040081209, ClinGen allele CA2422335561.
Genomic context (GRCh38, chrX:31,172,377, plus strand): 5'-AACATTTTGTAAAAAGAGATGGGATACTTACATGCTCTCATTAGGAGAGATGCTATCATT[T>TA]AGATAAGATCCATTGCTGTTTTCCATTTCTGCTAGCCTGATAAAAAACGTAAAAGCTCAT-3'

ClinVar aggregate classification (germline): Likely pathogenic (1 of 4 stars; one submission).

Conditions:
Duchenne muscular dystrophy (DMD). Also called: MUSCULAR DYSTROPHY, PSEUDOHYPERTROPHIC PROGRESSIVE, DUCHENNE TYPE; Duchenne Muscular Dystrophy (DMD). Identifiers: Orphanet 98896, MedGen C0013264, MONDO:0010679, OMIM 310200.

Submission:

Department of Obstetrics, Zhejiang Provincial People's Hospital, Zhejiang Provincial People's Hospital
Classification: Likely pathogenic for Duchenne muscular dystrophy. Last evaluated: 2020-08-16. Review status: criteria provided, single submitter. Criteria: ACMG Guidelines, 2015. Collection method: clinical testing. Allele origin: unknown. Inheritance: X-linked recessive inheritance. Affected: yes. Observed: 1 hemizygote.
Comment: Therefore, the N3456fs variant could at least be classified as likely pathogenic.